The following is an entry in ClinVar:

ClinVar aggregate classification (germline): Uncertain significance (1 of 4 stars; one submission).

Submission:

Geisinger Autism and Developmental Medicine Institute, Geisinger Health System
Classification: Uncertain significance. Last evaluated: 2018-02-26. Review status: criteria provided, single submitter. Criteria: ACMG Guidelines, 2015. Collection method: provider interpretation, clinical testing. Allele origin: unknown. Observed: 1 variant allele.
Comment: This nonsense variant in CNOT1 is absent from population databases including gnomAD and ExAC. The variant is predicted to cause loss of protein function through protein truncation or nonsense-mediated mRNA decay. CNOT1 is a gene of uncertain significance and no human disease has been clearly associated with this gene. CNOT1 plays a role in maintenance of embryonic stem cells and regulars transcription (PMID 22367759). Per the laboratory report, variants in CNOT1 have been detected in multiple individuals with developmental delay and autism. The CNOT1 gene is constrained for both missense and loss of function variation. Of note, a variant of uncertain significance was also identified in the CLTC gene.

Literature cited by the submitters: PubMed 22367759.

NM_016284.5(CNOT1):c.1188T>A (p.Tyr396Ter)

Gene: CNOT1 (CCR4-NOT transcription complex subunit 1; minus strand). Cytogenetic location: 16q21.
Variant type: single nucleotide variant.
Coding change: c.1188T>A on transcript NM_016284.5 (MANE Select); coding-DNA position 1188, T replaced by A.
Protein change: p.Tyr396Ter; replaces tyrosine 396 with a stop codon.
Molecular consequence: nonsense. On other transcripts: non-coding transcript variant (1).
Genome position (GRCh38, 1-based): chr16:58,581,372, A>T on the plus strand (T>A on the coding strand, the complement: CNOT1 is on the minus strand). VCF-style: chr16-58581372-A-T. GRCh37 (hg19) VCF-style: chr16-58615276-A-T.
Other names: c.1188T>A, p.Tyr396Ter (NM_001265612.2, NM_206999.3); short protein forms Y396*.
Identifiers: ClinVar variation 560226 (VCV000560226.3), dbSNP rs1567420855, ClinGen allele CA396148399.